The following is an entry in ClinVar:

NM_018075.5(ANO10):c.1162G>T (p.Glu388Ter)

Gene: ANO10 (anoctamin 10; minus strand). Cytogenetic location: 3p22.1.
Variant type: single nucleotide variant.
Coding change: c.1162G>T on transcript NM_018075.5 (MANE Select); coding-DNA position 1162, G replaced by T.
Protein change: p.Glu388Ter; replaces glutamic acid 388 with a stop codon.
Molecular consequence: nonsense. On other transcripts: intron variant (1).
Genome position (GRCh38, 1-based): chr3:43,576,692, C>A on the plus strand (G>T on the coding strand, the complement: ANO10 is on the minus strand). VCF-style: chr3-43576692-C-A. GRCh37 (hg19) VCF-style: chr3-43618184-C-A.
Other names: c.1162G>T, p.Glu388Ter (NM_001204831.3, NM_001346463.2, NM_001346464.2 and 3 more transcripts); c.964G>T, p.Glu322Ter (NM_001204832.3, NM_001346466.2, NM_001346469.2); c.829G>T, p.Glu277Ter (NM_001204833.3); c.593-1828G>T (NM_001204834.3); short protein forms E277*, E322*, E388*.
Identifiers: ClinVar variation 3902574 (VCV003902574.2).

ClinVar aggregate classification (germline): Pathogenic. Review status: criteria provided, multiple submitters, no conflicts (2 of 4 stars). 2 submissions from 2 submitters: Pathogenic (2). Last evaluated 2025-05-02.

Conditions:
Autosomal recessive spinocerebellar ataxia 10. Identifiers: Orphanet 284289, MedGen C3150998, MONDO:0013392, OMIM 613728.

gnomAD v4.1: 1 of 1,613,900 alleles (0.000062%); highest among the groups gnomAD compares: East Asian, 0.0022%; no homozygotes.

Submissions (2):

Women's Health and Genetics/Laboratory Corporation of America, LabCorp
Classification: Pathogenic for Autosomal recessive spinocerebellar ataxia 10. Last evaluated: 2025-05-02. Review status: criteria provided, single submitter. Criteria: LabCorp Variant Classification Summary - May 2015. Collection method: clinical testing. Allele origin: germline.
Comment: Variant summary: ANO10 c.1162G>T (p.Glu388X) results in a premature termination codon, predicted to cause a truncation of the encoded protein or absence of the protein due to nonsense mediated decay, which are commonly known mechanisms for disease. Several computational tools predict a significant impact on normal splicing: Three predict the variant weakens a 5' donor site. However, these predictions have yet to be confirmed by functional studies. The variant allele was found at a frequency of 4e-06 in 250704 control chromosomes. To our knowledge, no occurrence of c.1162G>T in individuals affected with Spinocerebellar ataxia 10 and no experimental evidence demonstrating its impact on protein function have been reported. No submitters have cited clinical-significance assessments for this variant to ClinVar. Based on the evidence outlined above, the variant was classified as pathogenic.

Myriad Genetics, Inc.
Classification: Pathogenic for Autosomal recessive spinocerebellar ataxia 10. Last evaluated: 2024-06-28. Review status: criteria provided, single submitter. Criteria: Myriad Autosomal Dominant, Autosomal Recessive and X-Linked Classification Criteria (2023). Collection method: clinical testing. Allele origin: unknown.
Comment: NM_018075.3(ANO10):c.1162G>T(E388*) is expected to be pathogenic in the context of spinocerebellar ataxia, ANO10-related. This variant is predicted to lead to an abnormal or absent protein product due to the creation of a premature termination codon in ANO10, a gene where loss-of-function variants are known to be pathogenic. Please note: this variant was assessed in the context of healthy population screening.